The following is an entry in ClinVar:

NM_153460.4(IL17RC):c.105+68G>A

Gene: IL17RC (interleukin 17 receptor C; plus strand). Cytogenetic location: 3p25.3.
Variant type: single nucleotide variant.
Coding change: c.105+68G>A on transcript NM_153460.4 (MANE Select); 68 bases into the intron after coding-DNA position 105, G replaced by A.
Molecular consequence: intron variant. On other transcripts: missense variant (1).
Genome position (GRCh38, 1-based): chr3:9,917,488, G>A. VCF-style: chr3-9917488-G-A. GRCh37 (hg19) VCF-style: chr3-9959172-G-A.
Other names: c.173G>A, p.Ser58Asn (NM_153461.4); c.105+68G>A (NM_001203263.2, NM_001203264.2, NM_001367278.1 and 5 more transcripts); short protein forms S58N.
Identifiers: ClinVar variation 3675760 (VCV003675760.2).

ClinVar aggregate classification (germline): Uncertain significance (1 of 4 stars; one submission).

Conditions:
Candidiasis, familial, 9 (CANDF9). Identifiers: Orphanet 1334, MedGen C4225324, MONDO:0014642, OMIM 616445.

gnomAD v4.1: 1 of 1,614,186 alleles (0.000062%); no homozygotes.

Submission:

Labcorp Genetics (formerly Invitae), Labcorp
Classification: Uncertain significance for Candidiasis, familial, 9. Last evaluated: 2024-12-16. Review status: criteria provided, single submitter. Criteria: Invitae Variant Classification Sherloc (09022015). Collection method: clinical testing. Allele origin: germline.
Comment: This sequence change replaces serine, which is neutral and polar, with asparagine, which is neutral and polar, at codon 58 of the IL17RC protein (p.Ser58Asn). This variant is present in population databases (no rsID available, gnomAD no frequency). This variant has not been reported in the literature in individuals affected with IL17RC-related conditions. An algorithm developed to predict the effect of missense changes on protein structure and function outputs the following: PolyPhen-2: "Benign". The asparagine amino acid residue is found in multiple mammalian species, which suggests that this missense change does not adversely affect protein function. In summary, the available evidence is currently insufficient to determine the role of this variant in disease. Therefore, it has been classified as a Variant of Uncertain Significance.